The following is an entry in ClinVar:

ClinVar aggregate classification (germline): Uncertain significance (1 of 4 stars; one submission).

Submission:

Labcorp Genetics (formerly Invitae), Labcorp
Classification: Uncertain significance. Last evaluated: 2023-05-22. Review status: criteria provided, single submitter. Criteria: Invitae Variant Classification Sherloc (09022015). Collection method: clinical testing. Allele origin: germline.
Comment: This sequence change replaces glycine, which is neutral and non-polar, with cysteine, which is neutral and slightly polar, at codon 713 of the SZT2 protein (p.Gly713Cys). This variant is not present in population databases (gnomAD no frequency). This variant has not been reported in the literature in individuals affected with SZT2-related conditions. ClinVar contains an entry for this variant (Variation ID: 2130915). An algorithm developed to predict the effect of missense changes on protein structure and function (PolyPhen-2) suggests that this variant is likely to be disruptive. In summary, the available evidence is currently insufficient to determine the role of this variant in disease. Therefore, it has been classified as a Variant of Uncertain Significance.

NM_001365999.1(SZT2):c.2137G>T (p.Gly713Cys)

Gene: SZT2 (SZT2 subunit of KICSTOR complex; plus strand). Cytogenetic location: 1p34.2.
Variant type: single nucleotide variant.
Coding change: c.2137G>T on transcript NM_001365999.1 (MANE Select); coding-DNA position 2137, G replaced by T.
Protein change: p.Gly713Cys; replaces glycine 713 with cysteine.
Molecular consequence: missense variant.
Genome position (GRCh38, 1-based): chr1:43,423,198, G>T. VCF-style: chr1-43423198-G-T. GRCh37 (hg19) VCF-style: chr1-43888869-G-T.
Other names: c.2137G>T, p.Gly713Cys (NM_015284.4); short protein forms G713C.
Identifiers: ClinVar variation 2130915 (VCV002130915.4), dbSNP rs2545809102, ClinGen allele CA340011181.
Genomic context (GRCh38, chr1:43,423,198, plus strand): 5'-TTCCCCCACCGGGTACAAAGCAAGGAGCCAACGCCCAAGGTGAAACGAAAAGGGCTAGGG[G>T]GTGCTGGTGGGGGCAGCTCTCCCTCCAAGTCACCCCCCGTGCTGGGGCCACAGCAGGCCC-3'
Protein context (NP_001352928.1, residues 703-723): TPKVKRKGLG[Gly713Cys]AGGGSSPSKS